The following is an entry in ClinVar:

NM_001375567.1(FOCAD):c.1794-16C>G

Gene: FOCAD (focadhesin; plus strand). Cytogenetic location: 9p21.3.
Variant type: single nucleotide variant.
Coding change: c.1794-16C>G on transcript NM_001375567.1 (MANE Select); 16 bases into the intron before coding-DNA position 1794, C replaced by G.
Molecular consequence: intron variant.
Genome position (GRCh38, 1-based): chr9:20,822,973, C>G. VCF-style: chr9-20822973-C-G. GRCh37 (hg19) VCF-style: chr9-20822972-C-G.
Other names: c.1689-16C>G (NM_001375568.1, NM_001375570.1); c.1794-16C>G (NM_017794.5).
Identifiers: ClinVar variation 3630987 (VCV003630987.3).

ClinVar aggregate classification (germline): Uncertain significance (1 of 4 stars; one submission).

gnomAD v4.1: 458 of 1,562,284 alleles (0.029%); highest among the groups gnomAD compares: Non-Finnish European, 0.037%; no homozygotes.

Submissions (2):

Labcorp Genetics (formerly Invitae), Labcorp
Classification: Uncertain significance. Last evaluated: 2025-12-28. Review status: criteria provided, single submitter. Criteria: Invitae Variant Classification Sherloc (09022015). Collection method: clinical testing. Allele origin: germline.
Comment: This sequence change falls in intron 16 of the FOCAD gene. It does not directly change the encoded amino acid sequence of the FOCAD protein. This variant is present in population databases (rs199712187, gnomAD 0.03%). This variant has not been reported in the literature in individuals affected with FOCAD-related conditions. ClinVar contains an entry for this variant (Variation ID: 3630987). Algorithms developed to predict the effect of sequence changes on RNA splicing suggest that this variant may create or strengthen a splice site. In summary, the available evidence is currently insufficient to determine the role of this variant in disease. Therefore, it has been classified as a Variant of Uncertain Significance.

Dr. Peter K. Rogan Lab, Western University
No classification provided (evidence only). Condition: Acute myeloid leukemia. Review status: no classification provided. Collection method: in vitro. Allele origin: not applicable. Functional consequence: retained intron. Not counted in ClinVar's aggregate classification.